The following is an entry in ClinVar:

ClinVar aggregate classification (germline): Uncertain significance. Review status: criteria provided, multiple submitters, no conflicts (2 of 4 stars). 2 submissions from 2 submitters: Uncertain significance (2). Last evaluated 2026-01-24.

Conditions:
Cardiovascular phenotype. Identifiers: MedGen CN230736.
Ehlers-Danlos syndrome, classic type, 1 (EDSCL1). Also called: EHLERS-DANLOS SYNDROME, GRAVIS TYPE; EHLERS-DANLOS SYNDROME, SEVERE CLASSIC TYPE; Ehlers-Danlos syndrome, type 1; Ehlers-Danlos Syndrome, Classic Type, COL5A1-Related; EDS I. Identifiers: MedGen C0268335, MONDO:0019567, OMIM 130000.
Osteogenesis imperfecta type I (OI1). Also called: OI, TYPE I; OSTEOGENESIS IMPERFECTA TARDA; OSTEOGENESIS IMPERFECTA WITH BLUE SCLERAE; Osteogenesis imperfecta type 1; Lobstein's Disease; Lobstein disease. Identifiers: Orphanet 216796, Orphanet 666, MedGen C0023931, MONDO:0008146, OMIM 166200. Disease mechanism: loss of function.

gnomAD v4.1: 6 of 1,613,976 alleles (0.00037%); highest among the groups gnomAD compares: East Asian, 0.0022%; no homozygotes.

Submissions (2):

Ambry Genetics
Classification: Uncertain significance for Cardiovascular phenotype. Last evaluated: 2026-01-24. Review status: criteria provided, single submitter. Criteria: Ambry Variant Classification Scheme 2023. Collection method: clinical testing. Allele origin: germline.
Comment: The p.I1349V variant (also known as c.4045A>G), located in coding exon 52 of the COL1A2 gene, results from an A to G substitution at nucleotide position 4045. The isoleucine at codon 1349 is replaced by valine, an amino acid with highly similar properties. This amino acid position is conserved. In addition, the in silico prediction for this alteration is inconclusive. Based on the available evidence, the clinical significance of this variant remains unclear.

Labcorp Genetics (formerly Invitae), Labcorp
Classification: Uncertain significance for Osteogenesis imperfecta type I; Ehlers-Danlos syndrome, classic type, 1. Last evaluated: 2025-12-11. Review status: criteria provided, single submitter. Criteria: Invitae Variant Classification Sherloc (09022015). Collection method: clinical testing. Allele origin: germline.
Comment: This sequence change replaces isoleucine, which is neutral and non-polar, with valine, which is neutral and non-polar, at codon 1349 of the COL1A2 protein (p.Ile1349Val). This variant is not present in population databases (gnomAD no frequency). This variant has not been reported in the literature in individuals affected with COL1A2-related conditions. Invitae Evidence Modeling of protein sequence and biophysical properties (such as structural, functional, and spatial information, amino acid conservation, physicochemical variation, residue mobility, and thermodynamic stability) indicates that this missense variant is not expected to disrupt COL1A2 protein function with a negative predictive value of 95%. In summary, the available evidence is currently insufficient to determine the role of this variant in disease. Therefore, it has been classified as a Variant of Uncertain Significance.

NM_000089.4(COL1A2):c.4045A>G (p.Ile1349Val)

Gene: COL1A2 (collagen type I alpha 2 chain; plus strand). Cytogenetic location: 7q21.3.
Variant type: single nucleotide variant.
Coding change: c.4045A>G on transcript NM_000089.4 (MANE Select); coding-DNA position 4045, A replaced by G.
Protein change: p.Ile1349Val; replaces isoleucine 1349 with valine.
Molecular consequence: missense variant.
Genome position (GRCh38, 1-based): chr7:94,430,337, A>G. VCF-style: chr7-94430337-A-G. GRCh37 (hg19) VCF-style: chr7-94059649-A-G.
Other names: short protein forms I1349V.
Identifiers: ClinVar variation 4787548 (VCV004787548.2).